The following is an entry in ClinVar:

NM_001267550.2(TTN):c.103417G>A (p.Val34473Ile)

Genes: TTN (titin; minus strand), TTN-AS1 (TTN antisense RNA 1; plus strand). Cytogenetic location: 2q31.2.
Variant type: single nucleotide variant.
Coding change: c.103417G>A on transcript NM_001267550.2 (MANE Select); coding-DNA position 103417, G replaced by A.
Protein change: p.Val34473Ile; replaces valine 34473 with isoleucine.
Molecular consequence: missense variant.
Genome position (GRCh38, 1-based): chr2:178,533,198, C>T on the plus strand (G>A on the coding strand, the complement: TTN is on the minus strand). VCF-style: chr2-178533198-C-T. GRCh37 (hg19) VCF-style: chr2-179397925-C-T.
Other names: p.V32832I:GTA>ATA; p.Val32832Ile; c.76222G>A, p.Val25408Ile (NM_003319.4); c.95713G>A, p.Val31905Ile (NM_133378.4); c.76597G>A, p.Val25533Ile (NM_133432.3); c.76798G>A, p.Val25600Ile (NM_133437.4); c.98494G>A, p.Val32832Ile (NM_001256850.1); c.103417G>A (NM_001267550.1); short protein forms V34473I, V32832I, V25533I, V25600I, V25408I.
Identifiers: ClinVar variation 96327 (VCV000096327.17), dbSNP rs188917199, ClinGen allele CA285790.

ClinVar aggregate classification (germline): Conflicting classifications of pathogenicity. Review status: criteria provided, conflicting classifications (1 of 4 stars). 14 submissions from 10 submitters: Uncertain significance (8); Benign (2); Likely benign (4). Last evaluated 2026-07-08.

Conditions:
TTN-related disorder. Also called: TTN-related disorders; TTN-related condition; TTN-related disease.
Cardiovascular phenotype. Identifiers: MedGen CN230736.
Dilated cardiomyopathy 1G (CMD1G). Identifiers: Orphanet 154, MedGen C1858763, MONDO:0011400, OMIM 604145.
Autosomal recessive limb-girdle muscular dystrophy type 2J (LGMDR10). Also called: Limb-girdle muscular dystrophy, type 2J; MUSCULAR DYSTROPHY, LIMB-GIRDLE, AUTOSOMAL RECESSIVE 10. Identifiers: Orphanet 140922, MedGen C1837342, MONDO:0012127, OMIM 608807.
Tibial muscular dystrophy (TMD). Also called: UDD MYOPATHY; Tibial muscular dystrophy, tardive; Udd Distal Myopathy – Tibial Muscular Dystrophy. Identifiers: Orphanet 609, MedGen C1838244, MONDO:0010870, OMIM 600334.
Myopathy, myofibrillar, 9, with early respiratory failure (MFM9). Also called: Hereditary myopathy with early respiratory failure; MYOPATHY, PROXIMAL, WITH EARLY RESPIRATORY MUSCLE INVOLVEMENT; Myopathy, distal, with early respiratory failure, autosomal dominant; EDSTROM MYOPATHY. Identifiers: Orphanet 178464, Orphanet 34521, MedGen C1863599, MONDO:0011362, OMIM 603689.
Early-onset myopathy with fatal cardiomyopathy (CMYO5). Also called: Salih Myopathy; CONGENITAL MYOPATHY 5 WITH CARDIOMYOPATHY. Identifiers: Orphanet 289377, MedGen C2673677, MONDO:0012714, OMIM 611705. Disease mechanism: loss of function.

Allele frequency attached by ClinVar (database versions not stated): gnomAD exomes 0.00004 and 0.00010; gnomAD 0.00028 and 0.00029; TOPMed 0.00043; 1000 Genomes Project 30x 0.00047; ESP Exome Variant Server 0.00017; 1000 Genomes Project 0.00040; ExAC 0.00010.
gnomAD v4.1: 109 of 1,613,926 alleles (0.0068%); highest among the groups gnomAD compares: African/African-American, 0.063%; no homozygotes.

Submissions (14):

PreventionGenetics, part of Exact Sciences
Classification: Uncertain significance for TTN-related condition. Last evaluated: 2026-07-08. Review status: criteria provided, single submitter. Criteria: ACMG Guidelines, 2015. Collection method: clinical testing. Allele origin: germline.
Comment: The TTN c.103417G>A variant is predicted to result in the amino acid substitution p.Val34473Ile. To our knowledge, this variant has not been reported in the literature in individuals with TTN-related disorders. This variant is reported in 0.083% of alleles in individuals of African descent in gnomAD. Although we suspect that this variant may be benign, at this time, the clinical significance of this variant is uncertain due to the absence of conclusive functional and genetic evidence.

Mayo Clinic Laboratories, Mayo Clinic
Classification: Uncertain significance. Last evaluated: 2024-12-11. Review status: criteria provided, single submitter. Criteria: ACMG Guidelines, 2015. Collection method: clinical testing. Allele origin: germline. Observed: 2 variant alleles.
Comment: BP4_moderate

Blueprint Genetics
Classification: Likely benign. Last evaluated: 2024-07-30. Review status: criteria provided, single submitter. Criteria: ACMG Guidelines, 2015. Collection method: clinical testing. Allele origin: germline.

Women's Health and Genetics/Laboratory Corporation of America, LabCorp
Classification: Uncertain significance. Last evaluated: 2023-08-08. Review status: criteria provided, single submitter. Criteria: LabCorp Variant Classification Summary - May 2015. Collection method: clinical testing. Allele origin: germline.

Athena Diagnostics
Classification: Likely benign. Last evaluated: 2021-01-06. Review status: criteria provided, single submitter. Criteria: Athena Diagnostics criteria. Collection method: clinical testing. Allele origin: unknown.

Ambry Genetics
Classification: Likely benign for Cardiovascular phenotype. Last evaluated: 2020-03-28. Review status: criteria provided, single submitter. Criteria: Ambry Variant Classification Scheme 2023. Collection method: clinical testing. Allele origin: germline.

Illumina Laboratory Services, Illumina
Classification: Benign for Myopathy, myofibrillar, 9, with early respiratory failure. Last evaluated: 2018-01-12. Review status: criteria provided, single submitter. Criteria: ICSL Variant Classification Criteria 13 December 2019. Collection method: clinical testing. Allele origin: germline.
Comment: This variant was observed in the ICSL laboratory as part of a predisposition screen in an ostensibly healthy population. It had not been previously curated by ICSL or reported in the Human Gene Mutation Database (HGMD: prior to June 1st, 2018), and was therefore a candidate for classification through an automated scoring system. Utilizing variant allele frequency, disease prevalence and penetrance estimates, and inheritance mode, an automated score was calculated to assess if this variant is too frequent to cause the disease. Based on the score and internal cut-off values, a variant classified as benign is not then subjected to further curation. The score for this variant resulted in a classification of benign for this disease.

Illumina Laboratory Services, Illumina
Classification: Uncertain significance for Dilated cardiomyopathy 1G. Last evaluated: 2018-01-12. Review status: criteria provided, single submitter. Criteria: ICSL Variant Classification Criteria 13 December 2019. Collection method: clinical testing. Allele origin: germline.

Illumina Laboratory Services, Illumina
Classification: Benign for Tibial muscular dystrophy. Last evaluated: 2018-01-12. Review status: criteria provided, single submitter. Criteria: ICSL Variant Classification Criteria 13 December 2019. Collection method: clinical testing. Allele origin: germline.
Comment: the same text as in the submission from Illumina Laboratory Services, Illumina above.

Illumina Laboratory Services, Illumina
Classification: Uncertain significance for Early-onset myopathy with fatal cardiomyopathy. Last evaluated: 2018-01-12. Review status: criteria provided, single submitter. Criteria: ICSL Variant Classification Criteria 13 December 2019. Collection method: clinical testing. Allele origin: germline.

Illumina Laboratory Services, Illumina
Classification: Uncertain significance for Autosomal recessive limb-girdle muscular dystrophy type 2J. Last evaluated: 2018-01-12. Review status: criteria provided, single submitter. Criteria: ICSL Variant Classification Criteria 13 December 2019. Collection method: clinical testing. Allele origin: germline.

Eurofins Ntd Llc (ga)
Classification: Uncertain significance. Last evaluated: 2017-10-02. Review status: criteria provided, single submitter. Criteria: EGL Classification Definitions 2015. Collection method: clinical testing. Allele origin: germline. Observed: 4 variant alleles, 4 heterozygotes.

Labcorp Genetics (formerly Invitae), Labcorp
Classification: Uncertain significance for Dilated cardiomyopathy 1G; Autosomal recessive limb-girdle muscular dystrophy type 2J. Last evaluated: 2017-07-10. Review status: criteria provided, single submitter. Criteria: Invitae Variant Classification Sherloc (09022015). Collection method: clinical testing. Allele origin: germline.

GeneDx
Classification: Likely benign. Last evaluated: 2017-05-02. Review status: criteria provided, single submitter. Criteria: GeneDx Variant Classification (06012015). Collection method: clinical testing. Allele origin: germline. Affected: yes.
Comment: This variant is considered likely benign or benign based on one or more of the following criteria: it is a conservative change, it occurs at a poorly conserved position in the protein, it is predicted to be benign by multiple in silico algorithms, and/or has population frequency not consistent with disease.

Literature cited by the submitters: PubMed 30681346 (cited by Mayo Clinic Laboratories, Mayo Clinic); PubMed 31983221 (cited by Mayo Clinic Laboratories, Mayo Clinic).